The following is an entry in ClinVar:

ClinVar aggregate classification (germline): Uncertain significance (1 of 4 stars; one submission).

Conditions:
Glycogen storage disease IXb (GSD9B). Also called: GLYCOGENOSIS OF LIVER AND MUSCLE, AUTOSOMAL RECESSIVE; GSD IXb; PHOSPHORYLASE KINASE DEFICIENCY OF LIVER AND MUSCLE, AUTOSOMAL RECESSIVE. Identifiers: Orphanet 79240, MedGen C0543514, MONDO:0009868, OMIM 261750.

Submission:

Labcorp Genetics (formerly Invitae), Labcorp
Classification: Uncertain significance for Glycogen storage disease IXb. Last evaluated: 2022-12-03. Review status: criteria provided, single submitter. Criteria: Invitae Variant Classification Sherloc (09022015). Collection method: clinical testing. Allele origin: germline.
Comment: In summary, the available evidence is currently insufficient to determine the role of this variant in disease. Therefore, it has been classified as a Variant of Uncertain Significance. Variants that disrupt the consensus splice site are a relatively common cause of aberrant splicing (PMID: 17576681, 9536098). Algorithms developed to predict the effect of sequence changes on RNA splicing suggest that this variant is not likely to affect RNA splicing. This variant has not been reported in the literature in individuals affected with PHKB-related conditions. This variant is present in population databases (no rsID available, gnomAD 0.006%). This sequence change falls in intron 1 of the PHKB gene. It does not directly change the encoded amino acid sequence of the PHKB protein. It affects a nucleotide within the consensus splice site.

Literature cited by the submitters: PubMed 17576681; PubMed 9536098.

NM_000293.3(PHKB):c.76+4T>G

Genes: PHKB (phosphorylase kinase regulatory subunit beta; plus strand), LOC130058947 (ATAC-STARR-seq lymphoblastoid silent region 7451; plus strand). Cytogenetic location: 16q12.1.
Variant type: single nucleotide variant.
Coding change: c.76+4T>G on transcript NM_000293.3 (MANE Select); 4 bases into the intron after coding-DNA position 76, T replaced by G.
Molecular consequence: intron variant.
Genome position (GRCh38, 1-based): chr16:47,461,430, T>G. VCF-style: chr16-47461430-T-G. GRCh37 (hg19) VCF-style: chr16-47495341-T-G.
Other names: c.76+4T>G (NM_001363837.1); c.-58+4T>G (NM_001031835.3).
Identifiers: ClinVar variation 2800029 (VCV002800029.3), dbSNP rs1401676484, ClinGen allele CA622393115.